The following is an entry in ClinVar:

ClinVar aggregate classification (germline): Uncertain significance (1 of 4 stars; one submission).

Allele frequency attached by ClinVar (database versions not stated): ExAC 0.00002; TOPMed 0.00001; gnomAD exomes 0.00002.
gnomAD v4.1: 3 of 1,610,706 alleles (0.00019%); highest among the groups gnomAD compares: Admixed American, 0.005%; no homozygotes.

Submission:

Labcorp Genetics (formerly Invitae), Labcorp
Classification: Uncertain significance. Last evaluated: 2022-06-13. Review status: criteria provided, single submitter. Criteria: Invitae Variant Classification Sherloc (09022015). Collection method: clinical testing. Allele origin: germline.
Comment: This sequence change replaces asparagine, which is neutral and polar, with serine, which is neutral and polar, at codon 82 of the IFT27 protein (p.Asn82Ser). This variant is present in population databases (rs754334830, gnomAD 0.01%). This variant has not been reported in the literature in individuals affected with IFT27-related conditions. ClinVar contains an entry for this variant (Variation ID: 1057435). Advanced modeling of protein sequence and biophysical properties (such as structural, functional, and spatial information, amino acid conservation, physicochemical variation, residue mobility, and thermodynamic stability) performed at Invitae indicates that this missense variant is not expected to disrupt IFT27 protein function. In summary, the available evidence is currently insufficient to determine the role of this variant in disease. Therefore, it has been classified as a Variant of Uncertain Significance.

NM_001177701.3(IFT27):c.248A>G (p.Asn83Ser)

Genes: CACNG2-DT (CACNG2 divergent transcript; plus strand), IFT27 (intraflagellar transport 27; minus strand). Cytogenetic location: 22q12.3.
Variant type: single nucleotide variant.
Coding change: c.248A>G on transcript NM_001177701.3 (MANE Select); coding-DNA position 248, A replaced by G.
Protein change: p.Asn83Ser; replaces asparagine 83 with serine.
Molecular consequence: missense variant.
Genome position (GRCh38, 1-based): chr22:36,764,023, T>C on the plus strand (A>G on the coding strand, the complement: IFT27 is on the minus strand). VCF-style: chr22-36764023-T-C. GRCh37 (hg19) VCF-style: chr22-37160067-T-C.
Other names: c.248A>G, p.Asn83Ser (NM_001363003.2); c.245A>G, p.Asn82Ser (NM_006860.5); short protein forms N82S, N83S.
Identifiers: ClinVar variation 1057435 (VCV001057435.6), dbSNP rs754334830, ClinGen allele CA10212423.